The following is an entry in ClinVar:

NM_182476.3(COQ6):c.115G>A (p.Val39Met)

Gene: COQ6 (coenzyme Q6, monooxygenase; plus strand). Cytogenetic location: 14q24.3.
Variant type: single nucleotide variant.
Coding change: c.115G>A on transcript NM_182476.3 (MANE Select); coding-DNA position 115, G replaced by A.
Protein change: p.Val39Met; replaces valine 39 with methionine.
Molecular consequence: missense variant. On other transcripts: intron variant (1).
Genome position (GRCh38, 1-based): chr14:73,950,447, G>A. VCF-style: chr14-73950447-G-A. GRCh37 (hg19) VCF-style: chr14-74417150-G-A.
Other names: p.V39M:GTG>ATG; c.88+267G>A (NM_182480.3); short protein forms V39M.
Identifiers: ClinVar variation 214236 (VCV000214236.2), dbSNP rs863223938, ClinGen allele CA321224.

ClinVar aggregate classification (germline): Uncertain significance (1 of 4 stars; one submission).

Allele frequency attached by ClinVar (database versions not stated): gnomAD exomes below 0.00001.

Submission:

GeneDx
Classification: Uncertain significance. Last evaluated: 2014-09-29. Review status: criteria provided, single submitter. Criteria: GeneDx Variant Classification (06012015). Collection method: clinical testing. Allele origin: germline. Affected: yes.
Comment: p.Val39Met (GTG>ATG): c.115 G>A in exon 1 of the COQ6 gene (NM_182476.2). The V39M variant has not been published as a mutation, nor has it been reported as a benign polymorphism to our knowledge. TheV39M variant is a conservative amino acid substitution, which is not likely to impact secondary protein structure as these residues share similar properties. This substitution occurs at a position that is conserved in mammals and in silico analysis predicts this variant is probably damaging to the protein structure/function. Therefore, based on the currently available information, it is unclear whether this variant is a pathogenic mutation or a rare benign variant. The variant is found in MITONUC-MITOP panel(s).